The following is an entry in ClinVar:

NM_002582.4(PARN):c.555-16T>A

Gene: PARN (poly(A)-specific ribonuclease; minus strand). Cytogenetic location: 16p13.12.
Variant type: single nucleotide variant.
Coding change: c.555-16T>A on transcript NM_002582.4 (MANE Select); 16 bases into the intron before coding-DNA position 555, T replaced by A.
Molecular consequence: intron variant.
Genome position (GRCh38, 1-based): chr16:14,609,139, A>T on the plus strand (T>A on the coding strand, the complement: PARN is on the minus strand). VCF-style: chr16-14609139-A-T. GRCh37 (hg19) VCF-style: chr16-14702996-A-T.
Other names: c.372-16T>A (NM_001134477.3); c.417-16T>A (NM_001242992.2).
Identifiers: ClinVar variation 2922783 (VCV002922783.3), dbSNP rs2508357980, ClinGen allele CA2740093256.

ClinVar aggregate classification (germline): Uncertain significance (1 of 4 stars; one submission).

Conditions:
Dyskeratosis congenita, autosomal recessive 6 (DKCB6). Identifiers: MedGen C4225356, MONDO:0014600, OMIM 616353.
Pulmonary fibrosis and/or bone marrow failure, Telomere-related, 4. Also called: PULMONARY FIBROSIS AND/OR BONE MARROW FAILURE SYNDROME, TELOMERE-RELATED, 4. Identifiers: Orphanet 2032, MedGen C4225347, MONDO:0014612, OMIM 616371.

Submission:

Labcorp Genetics (formerly Invitae), Labcorp
Classification: Uncertain significance for Dyskeratosis congenita, autosomal recessive 6; Pulmonary fibrosis and/or bone marrow failure, Telomere-related, 4. Last evaluated: 2024-02-01. Review status: criteria provided, single submitter. Criteria: Invitae Variant Classification Sherloc (09022015). Collection method: clinical testing. Allele origin: germline.
Comment: This sequence change falls in intron 7 of the PARN gene. It does not directly change the encoded amino acid sequence of the PARN protein. This variant is not present in population databases (gnomAD no frequency). This variant has not been reported in the literature in individuals affected with PARN-related conditions. Algorithms developed to predict the effect of sequence changes on RNA splicing suggest that this variant may disrupt the consensus splice site. In summary, the available evidence is currently insufficient to determine the role of this variant in disease. Therefore, it has been classified as a Variant of Uncertain Significance.